The following is an entry in ClinVar:

NM_001354604.2(MITF):c.424T>A (p.Tyr142Asn)

Gene: MITF (melanocyte inducing transcription factor; plus strand). Cytogenetic location: 3p13.
Variant type: single nucleotide variant.
Coding change: c.424T>A on transcript NM_001354604.2 (MANE Select); coding-DNA position 424, T replaced by A.
Protein change: p.Tyr142Asn; replaces tyrosine 142 with asparagine.
Molecular consequence: missense variant. On other transcripts: intron variant (1).
Genome position (GRCh38, 1-based): chr3:69,937,891, T>A. VCF-style: chr3-69937891-T-A. GRCh37 (hg19) VCF-style: chr3-69987042-T-A.
Other names: c.103T>A, p.Tyr35Asn (NM_000248.4, NM_001184968.2, NM_198158.3); c.268T>A, p.Tyr90Asn (NM_001184967.2, NM_001354608.2); c.421T>A, p.Tyr141Asn (NM_001354605.2, NM_001354606.2, NM_006722.3); c.373T>A, p.Tyr125Asn (NM_001354607.2); c.424T>A, p.Tyr142Asn (NM_198159.3); c.376T>A, p.Tyr126Asn (NM_198177.3); c.93+10T>A (NM_198178.3); short protein forms Y90N, Y125N, Y142N, Y35N, Y126N, Y141N.
Identifiers: ClinVar variation 3873261 (VCV003873261.1).

ClinVar aggregate classification (germline): Uncertain significance (1 of 4 stars; one submission).

Conditions:
Hereditary cancer-predisposing syndrome. Also called: Tumor predisposition; Neoplastic Syndromes, Hereditary; Hereditary Cancer Syndrome; Hereditary neoplastic syndrome. Identifiers: Orphanet 140162, MedGen C0027672, MeSH D009386, MONDO:0015356.

Submission:

Ambry Genetics
Classification: Uncertain significance for Hereditary cancer-predisposing syndrome. Last evaluated: 2025-03-07. Review status: criteria provided, single submitter. Criteria: Ambry Variant Classification Scheme 2023. Collection method: clinical testing. Allele origin: germline.
Comment: The p.Y35N variant (also known as c.103T>A), located in coding exon 2 of the MITF gene, results from a T to A substitution at nucleotide position 103. The tyrosine at codon 35 is replaced by asparagine, an amino acid with dissimilar properties. This amino acid position is conserved. In addition, this alteration is predicted to be deleterious by in silico analysis. Based on the available evidence, the clinical significance of this variant remains unclear.